The following is an entry in ClinVar:

ClinVar aggregate classification (germline): Benign. Review status: criteria provided, multiple submitters, no conflicts (2 of 4 stars). 2 submissions from 2 submitters: Benign (2). Last evaluated 2018-01-13.

Conditions:
ALG12-congenital disorder of glycosylation (CDG1G). Also called: CDG Ig; Congenital disorder of glycosylation, type Ig; ALG12-CDG. Identifiers: Orphanet 79324, MedGen C2931001, MONDO:0011783, OMIM 607143.

Allele frequency attached by ClinVar (database versions not stated): gnomAD 0.22442; TOPMed 0.23380; 1000 Genomes Project 30x 0.25047; 1000 Genomes Project 0.25120.

Submissions (2):

Illumina Laboratory Services, Illumina
Classification: Benign for ALG12-congenital disorder of glycosylation. Last evaluated: 2018-01-13. Review status: criteria provided, single submitter. Criteria: ICSL Variant Classification Criteria 13 December 2019. Collection method: clinical testing. Allele origin: germline.
Comment: This variant was observed in the ICSL laboratory as part of a predisposition screen in an ostensibly healthy population. It had not been previously curated by ICSL or reported in the Human Gene Mutation Database (HGMD: prior to June 1st, 2018), and was therefore a candidate for classification through an automated scoring system. Utilizing variant allele frequency, disease prevalence and penetrance estimates, and inheritance mode, an automated score was calculated to assess if this variant is too frequent to cause the disease. Based on the score and internal cut-off values, a variant classified as benign is not then subjected to further curation. The score for this variant resulted in a classification of benign for this disease.

Breakthrough Genomics
Classification: Benign. Review status: criteria provided, single submitter. Criteria: ACMG Guidelines, 2015. Collection method: not provided. Allele origin: germline. Inheritance: Autosomal recessive inheritance. Affected: yes.

NM_024105.4(ALG12):c.-141T>C

Gene: ALG12 (ALG12 alpha-1,6-mannosyltransferase; minus strand). Cytogenetic location: 22q13.33.
Variant type: single nucleotide variant.
Coding change: c.-141T>C on transcript NM_024105.4 (MANE Select); 141 bases upstream of the start codon, T replaced by C.
Molecular consequence: 5 prime UTR variant.
Genome position (GRCh38, 1-based): chr22:49,918,325, A>G on the plus strand (T>C on the coding strand, the complement: ALG12 is on the minus strand). VCF-style: chr22-49918325-A-G. GRCh37 (hg19) VCF-style: chr22-50311973-A-G.
Identifiers: ClinVar variation 342066 (VCV000342066.6), dbSNP rs9616378, ClinGen allele CA10653642.